The following is an entry in ClinVar:

NM_001130987.2(DYSF):c.4027A>G (p.Ile1343Val)

Gene: DYSF (dysferlin; plus strand). Cytogenetic location: 2p13.2.
Variant type: single nucleotide variant.
Coding change: c.4027A>G on transcript NM_001130987.2 (MANE Select); coding-DNA position 4027, A replaced by G.
Protein change: p.Ile1343Val; replaces isoleucine 1343 with valine.
Molecular consequence: missense variant.
Genome position (GRCh38, 1-based): chr2:71,611,314, A>G. VCF-style: chr2-71611314-A-G. GRCh37 (hg19) VCF-style: chr2-71838444-A-G.
Other names: c.3976A>G, p.Ile1326Val (NM_001130455.2, NM_001130983.2); c.3931A>G, p.Ile1311Val (NM_001130976.2, NM_001130977.2); c.3973A>G, p.Ile1325Val (NM_001130978.2, NM_003494.4); c.4066A>G, p.Ile1356Val (NM_001130979.2); c.4024A>G, p.Ile1342Val (NM_001130980.2, NM_001130981.2); c.4069A>G, p.Ile1357Val (NM_001130982.2); c.3934A>G, p.Ile1312Val (NM_001130984.2, NM_001130986.2); c.4027A>G, p.Ile1343Val (NM_001130985.2); short protein forms I1325V, I1343V, I1342V, I1311V, I1326V, I1356V, I1312V, I1357V.
Identifiers: ClinVar variation 336969 (VCV000336969.25), dbSNP rs145401010, ClinGen allele CA1706842.
Genomic context (GRCh38, chr2:71,611,314, plus strand): 5'-ACAGACCTGCCCTACCCACCACCCCAGAGGGAGGCCAACATCTACATGGTTCCTCAGAAC[A>G]TCAAGCCAGCGCTCCAGCGTACCGCCATCGAGGTGAGCCGTCCGGGCCTGGGCGTGGGGG-3'
Protein context (NP_001124459.1, residues 1333-1353): EANIYMVPQN[Ile1343Val]KPALQRTAIE

ClinVar aggregate classification (germline): Conflicting classifications of pathogenicity. Review status: criteria provided, conflicting classifications (1 of 4 stars). 7 submissions from 7 submitters: Uncertain significance (1); Benign (3); Likely benign (2). 1 of the submissions does not count toward it. Last evaluated 2026-02-01.

Conditions:
Neuromuscular disease caused by qualitative or quantitative defects of dysferlin. Also called: Dysferlinopathy; Qualitative or quantitative defects of dysferlin. Identifiers: Orphanet 207073, MedGen C2931687, MONDO:0016145.
Autosomal recessive limb-girdle muscular dystrophy type 2B (LGMDR2). Also called: MUSCULAR DYSTROPHY, LIMB-GIRDLE, TYPE 3; MUSCULAR DYSTROPHY, LIMB-GIRDLE, AUTOSOMAL RECESSIVE 2; Limb-girdle muscular dystrophy, type 2B; Limb-Girdle Muscular Dystrophy Type 2B (LGMD2B). Identifiers: Orphanet 268, MedGen C1850889, MONDO:0009676, OMIM 253601.

Allele frequency attached by ClinVar (database versions not stated): gnomAD 0.00398 and 0.00428; 1000 Genomes Project 0.00399; TOPMed 0.00441; ESP Exome Variant Server 0.00461; 1000 Genomes Project 30x 0.00468.
gnomAD v4.1: 1,234 of 1,613,996 alleles (0.076%); highest among the groups gnomAD compares: African/African-American, 1.4%; 4 homozygotes.

Submissions (7):

Labcorp Genetics (formerly Invitae), Labcorp
Classification: Benign for Neuromuscular disease caused by qualitative or quantitative defects of dysferlin. Last evaluated: 2026-02-01. Review status: criteria provided, single submitter. Criteria: Invitae Variant Classification Sherloc (09022015). Collection method: clinical testing. Allele origin: germline.

Mayo Clinic Laboratories, Mayo Clinic
Classification: Likely benign. Last evaluated: 2025-12-01. Review status: criteria provided, single submitter. Criteria: ACMG Guidelines, 2015. Collection method: clinical testing. Allele origin: germline. Observed: 5 variant alleles.
Comment: BS1

Athena Diagnostics
Classification: Benign. Last evaluated: 2025-07-02. Review status: criteria provided, single submitter. Criteria: Athena Diagnostics Criteria. Collection method: clinical testing. Allele origin: unknown.
Comment: The frequency of this variant in the general population is higher than would generally be expected for pathogenic variants in this gene. Computational tools predict this amino acid change may be benign.

Blueprint Genetics
Classification: Likely benign. Last evaluated: 2024-11-25. Review status: criteria provided, single submitter. Criteria: ACMG Guidelines, 2015. Collection method: clinical testing. Allele origin: germline.

GeneDx
Classification: Benign. Last evaluated: 2021-08-06. Review status: criteria provided, single submitter. Criteria: GeneDx Variant Classification Process June 2021. Collection method: clinical testing. Allele origin: germline. Affected: yes.
Comment: This variant is associated with the following publications: (PMID: 18853459)

Illumina Laboratory Services, Illumina
Classification: Uncertain significance for Qualitative or quantitative defects of dysferlin. Last evaluated: 2018-01-13. Review status: criteria provided, single submitter. Criteria: ICSL Variant Classification Criteria 13 December 2019. Collection method: clinical testing. Allele origin: germline.

Natera, Inc.
Classification: Benign for Limb-girdle muscular dystrophy type 2B. Last evaluated: 2019-12-29. Review status: no assertion criteria provided. Collection method: clinical testing. Allele origin: germline. Not counted in ClinVar's aggregate classification.

Literature cited by the submitters: PubMed 18853459 (cited by Mayo Clinic Laboratories, Mayo Clinic and Athena Diagnostics); PubMed 39678382 (cited by Mayo Clinic Laboratories, Mayo Clinic); PubMed 32348865 (cited by Athena Diagnostics).